The following is an entry in ClinVar:

NM_000548.5(TSC2):c.5137C>A (p.Arg1713Ser)

Gene: TSC2 (TSC complex subunit 2; plus strand). Cytogenetic location: 16p13.3.
Variant type: single nucleotide variant.
Coding change: c.5137C>A on transcript NM_000548.5 (MANE Select); coding-DNA position 5137, C replaced by A.
Protein change: p.Arg1713Ser; replaces arginine 1713 with serine.
Molecular consequence: missense variant.
Genome position (GRCh38, 1-based): chr16:2,088,116, C>A. VCF-style: chr16-2088116-C-A. GRCh37 (hg19) VCF-style: chr16-2138117-C-A.
Other names: c.4936C>A, p.Arg1646Ser (NM_001077183.3); c.5068C>A, p.Arg1690Ser (NM_001114382.3); c.4828C>A, p.Arg1610Ser (NM_001318827.2); c.4792C>A, p.Arg1598Ser (NM_001318829.2); c.4405C>A, p.Arg1469Ser (NM_001318831.2); c.4969C>A, p.Arg1657Ser (NM_001318832.2); c.4939C>A, p.Arg1647Ser (NM_001363528.2); c.5005C>A, p.Arg1669Ser (NM_001370404.1); and 1 more; short protein forms R1713S, R1469S, R1647S, R1657S, R1669S, R1670S, R1610S, R1646S.
Identifiers: ClinVar variation 424872 (VCV000424872.19), dbSNP rs759420443, ClinGen allele CA16621548.

ClinVar aggregate classification (germline): Uncertain significance. Review status: criteria provided, multiple submitters, no conflicts (2 of 4 stars). 3 submissions from 3 submitters: Uncertain significance (3). Last evaluated 2026-07-14.

Conditions:
Hereditary cancer-predisposing syndrome. Also called: Neoplastic Syndromes, Hereditary; Hereditary neoplastic syndrome; Hereditary Cancer Syndrome; Tumor predisposition. Identifiers: Orphanet 140162, MedGen C0027672, MeSH D009386, MONDO:0015356.
Tuberous sclerosis 2 (TSC2). Identifiers: Orphanet 805, MedGen C1860707, MONDO:0013199, OMIM 613254.

Submissions (3):

Ambry Genetics
Classification: Uncertain significance for Hereditary cancer-predisposing syndrome. Last evaluated: 2026-07-14. Review status: criteria provided, single submitter. Criteria: Ambry Variant Classification Scheme 2023. Collection method: clinical testing. Allele origin: germline.
Comment: The p.R1713S variant (also known as c.5137C>A), located in coding exon 39 of the TSC2 gene, results from a C to A substitution at nucleotide position 5137. The arginine at codon 1713 is replaced by serine, an amino acid with dissimilar properties. Another variant at the same codon, p.R1713H (c.5138G>A), has been identified in individuals with features consistent with tuberous sclerosis complex (TSC) (Hirfanoglu T and Gupta A Pediatr. Neurol. 2010; 42:343-7; Niemi AK et al. Am. J. Med. Genet. A 2011; 155A:2534-7). This amino acid position is highly conserved in available vertebrate species. In addition, this alteration is predicted to be deleterious by in silico analysis. Based on the available evidence, the clinical significance of this variant remains unclear.

Genome-Nilou Lab
Classification: Uncertain significance for Tuberous sclerosis 2. Last evaluated: 2021-11-07. Review status: criteria provided, single submitter. Criteria: ACMG Guidelines, 2015. Collection method: clinical testing. Allele origin: germline. Affected: no.

Labcorp Genetics (formerly Invitae), Labcorp
Classification: Uncertain significance for Tuberous sclerosis 2. Last evaluated: 2020-05-27. Review status: criteria provided, single submitter. Criteria: Invitae Variant Classification Sherloc (09022015). Collection method: clinical testing. Allele origin: germline.
Comment: In summary, the available evidence is currently insufficient to determine the role of this variant in disease. Therefore, it has been classified as a Variant of Uncertain Significance. This variant disrupts the p.Arg1713 amino acid residue in TSC2. Other variant(s) that disrupt this residue have been observed in individuals with TSC2-related conditions (PMID:28127866, 20399389, 21910228, 25599672), suggesting that it may be a clinically significant residue. Algorithms developed to predict the effect of sequence changes on RNA splicing suggest that this variant may create or strengthen a splice site, but this prediction has not been confirmed by published transcriptional studies. Algorithms developed to predict the effect of missense changes on protein structure and function are either unavailable or do not agree on the potential impact of this missense change (SIFT: "Deleterious"; PolyPhen-2: "Possibly Damaging"; Align-GVGD: "Class C0"). This variant has not been reported in the literature in individuals with TSC2-related conditions. ClinVar contains an entry for this variant (Variation ID: 424872). This variant is not present in population databases (ExAC no frequency). This sequence change replaces arginine with serine at codon 1713 of the TSC2 protein (p.Arg1713Ser). The arginine residue is highly conserved and there is a moderate physicochemical difference between arginine and serine.

Literature cited by the submitters: PubMed 28127866 (cited by Labcorp Genetics (formerly Invitae), Labcorp); PubMed 20399389 (cited by Labcorp Genetics (formerly Invitae), Labcorp); PubMed 21910228 (cited by Labcorp Genetics (formerly Invitae), Labcorp); PubMed 25599672 (cited by Labcorp Genetics (formerly Invitae), Labcorp).